The following is an entry in ClinVar:

ClinVar aggregate classification (germline): Benign/Likely benign. Review status: criteria provided, multiple submitters, no conflicts (2 of 4 stars). 4 submissions from 4 submitters: Benign (2); Likely benign (1). 1 of the submissions does not count toward it. Last evaluated 2026-01-26.

Conditions:
SORL1-related disorder. Also called: SORL1-related condition.

Allele frequency attached by ClinVar (database versions not stated): 1000 Genomes Project 0.00240; 1000 Genomes Project 30x 0.00250; TOPMed 0.00508; ExAC 0.00512; gnomAD exomes 0.00521; gnomAD 0.00557 and 0.00569; ESP Exome Variant Server 0.00608.
gnomAD v4.1: 12,713 of 1,613,698 alleles (0.79%); highest among the groups gnomAD compares: Non-Finnish European, 0.94%; 67 homozygotes.

Submissions (4):

Labcorp Genetics (formerly Invitae), Labcorp
Classification: Benign. Last evaluated: 2026-01-26. Review status: criteria provided, single submitter. Criteria: Invitae Variant Classification Sherloc (09022015). Collection method: clinical testing. Allele origin: germline.

CeGaT Center for Human Genetics Tuebingen
Classification: Likely benign. Last evaluated: 2025-09-01. Review status: criteria provided, single submitter. Criteria: CeGaT Center For Human Genetics Tuebingen Variant Classification Criteria Version 2. Collection method: clinical testing. Allele origin: germline. Affected: yes. Observed: 4 variant alleles.
Comment: SORL1: BP4, BS2

Breakthrough Genomics
Classification: Benign. Review status: criteria provided, single submitter. Criteria: ACMG Guidelines, 2015. Collection method: not provided. Allele origin: germline. Inheritance: Unknown mechanism. Affected: yes.

PreventionGenetics, part of Exact Sciences
Classification: Benign for SORL1-related condition. Last evaluated: 2023-11-30. Review status: no assertion criteria provided. Collection method: clinical testing. Allele origin: germline. Not counted in ClinVar's aggregate classification.
Comment: This variant is classified as benign based on ACMG/AMP sequence variant interpretation guidelines (Richards et al. 2015 PMID: 25741868, with internal and published modifications).

NM_003105.6(SORL1):c.3346A>G (p.Ile1116Val)

Gene: SORL1 (sortilin related receptor 1; plus strand). Cytogenetic location: 11q24.1.
Variant type: single nucleotide variant.
Coding change: c.3346A>G on transcript NM_003105.6 (MANE Select); coding-DNA position 3346, A replaced by G.
Protein change: p.Ile1116Val; replaces isoleucine 1116 with valine.
Molecular consequence: missense variant.
Genome position (GRCh38, 1-based): chr11:121,574,249, A>G. VCF-style: chr11-121574249-A-G. GRCh37 (hg19) VCF-style: chr11-121444958-A-G.
Other names: c.3346A>G (NM_003105.5); short protein forms I1116V.
Identifiers: ClinVar variation 1167437 (VCV001167437.35), dbSNP rs62617129, ClinGen allele CA6329233.